The following is an entry in ClinVar:

ClinVar aggregate classification (germline): Pathogenic (1 of 4 stars; one submission).

Submission:

Labcorp Genetics (formerly Invitae), Labcorp
Classification: Pathogenic. Last evaluated: 2025-04-01. Review status: criteria provided, single submitter. Criteria: Invitae Variant Classification Sherloc (09022015). Collection method: clinical testing. Allele origin: germline.
Comment: This sequence change creates a premature translational stop signal (p.Asn405Thrfs*19) in the TBCE gene. It is expected to result in an absent or disrupted protein product. Loss-of-function variants in TBCE are known to be pathogenic (PMID: 27666369, 34134906, 34356170). This variant is present in population databases (rs770034307, gnomAD 0.003%). This variant has not been reported in the literature in individuals affected with TBCE-related conditions. For these reasons, this variant has been classified as Pathogenic.

Literature cited by the submitters: PubMed 27666369; PubMed 34134906; PubMed 34356170.

NM_003193.5(TBCE):c.1214del (p.Asn405fs)

Gene: TBCE (tubulin folding cofactor E; plus strand). Cytogenetic location: 1q42.3.
Variant type: Deletion.
Coding change: c.1214del on transcript NM_003193.5 (MANE Select); coding-DNA position 1214, one base deleted (A; older notation c.1214delA).
Protein change: p.Asn405fs; shifts the reading frame from asparagine 405.
Molecular consequence: frameshift variant.
Genome position (GRCh38, 1-based): chr1:235,438,866, A deleted; the last of 7 consecutive A bases (chr1:235,438,860-235,438,866); deleting any one gives the same sequence. VCF-style (leftmost placement, unchanged base first): chr1-235438859-GA-G. GRCh37 (hg19) VCF-style: chr1-235602174-GA-G.
Other names: c.1367del, p.Asn456fs (NM_001287801.2); c.875del, p.Asn292fs (NM_001287802.2); c.1214del, p.Asn405fs (NM_001079515.3); short protein forms N292fs, N405fs, N456fs.
Identifiers: ClinVar variation 3701587 (VCV003701587.2).